The following is an entry in ClinVar:

ClinVar aggregate classification (germline): Likely pathogenic (1 of 4 stars; one submission).

Conditions:
Glycine encephalopathy. Also called: Non-ketotic hyperglycinemia; Nonketotic hyperglycinemia. Identifiers: Orphanet 407, MedGen C0751748, MONDO:0011612, HP:0008288.

Submission:

Myriad Genetics, Inc.
Classification: Likely pathogenic for Glycine encephalopathy 1. Last evaluated: 2022-03-01. Review status: criteria provided, single submitter. Criteria: Myriad Women's Health Autosomal Recessive and X-Linked Classification Criteria (2021). Collection method: clinical testing. Allele origin: unknown.
Comment: NM_000170.2(GLDC):c.548_550delTGTinsA(V183Efs*2) is expected to be pathogenic in the context of glycine encephalopathy, GLDC-related. This variant is predicted to lead to an abnormal or absent protein product due to the creation of a premature termination codon in GLDC, a gene where loss-of-function variants are known to be pathogenic. Please note: this variant was assessed in the context of healthy population screening.

NM_000170.3(GLDC):c.548_550delinsA (p.Val183fs)

Gene: GLDC (glycine decarboxylase; minus strand). Cytogenetic location: 9p24.1.
Variant type: Indel.
Coding change: c.548_550delinsA on transcript NM_000170.3 (MANE Select); coding-DNA positions 548 to 550, TGT replaced by A.
Protein change: p.Val183fs; shifts the reading frame from valine 183.
Molecular consequence: frameshift variant.
Genome position (GRCh38, 1-based): chr9:6,610,277-6,610,279, ACA replaced by T on the plus strand (TGT replaced by A on the coding strand, the reverse complement: GLDC is on the minus strand). VCF-style: chr9-6610277-ACA-T. GRCh37 (hg19) VCF-style: chr9-6610277-ACA-T.
Other names: short protein forms V183fs.
Identifiers: ClinVar variation 1724841 (VCV001724841.2), dbSNP rs2489110995, ClinGen allele CA2580080444.
Genomic context (GRCh38, chr9:6,610,277, plus strand): 5'-CGGCTGCAGTCCCCTCATCCAGCAGGGATGCATTGGCCATGTCCAGGCCTGTGATGTCAC[ACA>T]CCATGGTCTGGTAGTTGAGTAAACTCTCCAGCCTCCCCTGAGACACCTCAGGCTGGTATG-3'